The following is an entry in ClinVar:

ClinVar aggregate classification (germline): Uncertain significance. Review status: criteria provided, multiple submitters, no conflicts (2 of 4 stars). 3 submissions from 3 submitters: Uncertain significance (3). Last evaluated 2025-06-15.

Allele frequency attached by ClinVar (database versions not stated): gnomAD exomes 0.00001; gnomAD 0.00001; ExAC 0.00002; TOPMed 0.00002.

Submissions (3):

GeneDx
Classification: Uncertain significance. Last evaluated: 2025-06-15. Review status: criteria provided, single submitter. Criteria: GeneDx Variant Classification Process June 2021. Collection method: clinical testing. Allele origin: germline.
Comment: Not observed at significant frequency in large population cohorts (gnomAD); In silico analysis supports that this missense variant has a deleterious effect on protein structure/function; Has not been previously published as pathogenic or benign to our knowledge; Variants in candidate genes are classified as variants of uncertain significance in accordance with ACMG guidelines (PMID: 25741868); This variant is associated with the following publications: (PMID: 26455304, 27248010, 19151156, 23396353)

Ambry Genetics
Classification: Uncertain significance. Last evaluated: 2025-03-15. Review status: criteria provided, single submitter. Criteria: Ambry Variant Classification Scheme 2023. Collection method: clinical testing. Allele origin: germline.
Comment: The p.H548Y variant (also known as c.1642C>T), located in coding exon 12 of the RECQL gene, results from a C to T substitution at nucleotide position 1642. The histidine at codon 548 is replaced by tyrosine, an amino acid with similar properties. This amino acid position is well conserved in available vertebrate species. In addition, this alteration is predicted to be tolerated by in silico analysis. Since supporting evidence is limited at this time, the clinical significance of this alteration remains unclear.

Labcorp Genetics (formerly Invitae), Labcorp
Classification: Uncertain significance. Last evaluated: 2021-07-12. Review status: criteria provided, single submitter. Criteria: Invitae Variant Classification Sherloc (09022015). Collection method: clinical testing. Allele origin: germline.
Comment: This variant is present in population databases (rs200465170, ExAC 0.003%). In summary, the available evidence is currently insufficient to determine the role of this variant in disease. Therefore, it has been classified as a Variant of Uncertain Significance. Algorithms developed to predict the effect of missense changes on protein structure and function are either unavailable or do not agree on the potential impact of this missense change (SIFT: "Deleterious"; PolyPhen-2: "Probably Damaging"; Align-GVGD: "Class C15"). This variant has not been reported in the literature in individuals with RECQL-related conditions. This sequence change replaces histidine with tyrosine at codon 548 of the RECQL protein (p.His548Tyr). The histidine residue is highly conserved and there is a moderate physicochemical difference between histidine and tyrosine.

NM_002907.4(RECQL):c.1642C>T (p.His548Tyr)

Gene: RECQL (RecQ like helicase; minus strand). Cytogenetic location: 12p12.1.
Variant type: single nucleotide variant.
Coding change: c.1642C>T on transcript NM_002907.4 (MANE Select); coding-DNA position 1642, C replaced by T.
Protein change: p.His548Tyr; replaces histidine 548 with tyrosine.
Molecular consequence: missense variant.
Genome position (GRCh38, 1-based): chr12:21,471,453, G>A on the plus strand (C>T on the coding strand, the complement: RECQL is on the minus strand). VCF-style: chr12-21471453-G-A. GRCh37 (hg19) VCF-style: chr12-21624387-G-A.
Other names: c.1642C>T, p.His548Tyr (NM_032941.3); short protein forms H548Y.
Identifiers: ClinVar variation 1427931 (VCV001427931.13), dbSNP rs200465170, ClinGen allele CA6478702.